The following is an entry in ClinVar:

ClinVar aggregate classification (germline): Conflicting classifications of pathogenicity. Review status: criteria provided, conflicting classifications (1 of 4 stars). 2 submissions from 2 submitters: Uncertain significance (1); Likely benign (1). Last evaluated 2025-02-13.

Allele frequency attached by ClinVar (database versions not stated): ExAC 0.00035; gnomAD exomes 0.00048 and 0.00110; gnomAD 0.00053; TOPMed 0.00059; ESP Exome Variant Server 0.00131.
gnomAD v4.1: 1,665 of 1,612,368 alleles (0.1%); highest among the groups gnomAD compares: Non-Finnish European, 0.13%; 3 homozygotes.

Submissions (2):

Labcorp Genetics (formerly Invitae), Labcorp
Classification: Likely benign. Last evaluated: 2025-02-13. Review status: criteria provided, single submitter. Criteria: Invitae Variant Classification Sherloc (09022015). Collection method: clinical testing. Allele origin: germline.

CeGaT Center for Human Genetics Tuebingen
Classification: Uncertain significance. Last evaluated: 2023-11-01. Review status: criteria provided, single submitter. Criteria: CeGaT Center For Human Genetics Tuebingen Variant Classification Criteria Version 2. Collection method: clinical testing. Allele origin: germline. Affected: yes. Observed: 2 variant alleles.
Comment: LAMA5: PM2, BP4

NM_005560.6(LAMA5):c.2829C>T (p.Ser943=)

Gene: LAMA5 (laminin subunit alpha 5; minus strand). Cytogenetic location: 20q13.33.
Variant type: single nucleotide variant.
Coding change: c.2829C>T on transcript NM_005560.6 (MANE Select); coding-DNA position 2829, C replaced by T.
Protein change: p.Ser943=; no amino-acid change (serine 943 retained).
Molecular consequence: synonymous variant.
Genome position (GRCh38, 1-based): chr20:62,333,950, G>A on the plus strand (C>T on the coding strand, the complement: LAMA5 is on the minus strand). VCF-style: chr20-62333950-G-A. GRCh37 (hg19) VCF-style: chr20-60909006-G-A.
Identifiers: ClinVar variation 789247 (VCV000789247.32), dbSNP rs151209097, ClinGen allele CA9943302.